The following is an entry in ClinVar:

ClinVar aggregate classification (germline): Likely benign. Review status: criteria provided, single submitter (1 of 4 stars). 2 submissions from 2 submitters: Likely benign (1). 1 of the submissions does not count toward it. Last evaluated 2025-07-21.

Conditions:
PCARE-related disorder. Also called: PCARE-related condition.

Allele frequency attached by ClinVar (database versions not stated): TOPMed below 0.00001; gnomAD 0.00001; ESP Exome Variant Server 0.00008; gnomAD exomes 0.00002.
gnomAD v4.1: 36 of 1,614,080 alleles (0.0022%); highest among the groups gnomAD compares: Non-Finnish European, 0.0031%; no homozygotes.

Submissions (2):

Labcorp Genetics (formerly Invitae), Labcorp
Classification: Likely benign. Last evaluated: 2025-07-21. Review status: criteria provided, single submitter. Criteria: Invitae Variant Classification Sherloc (09022015). Collection method: clinical testing. Allele origin: germline.

PreventionGenetics, part of Exact Sciences
Classification: Likely benign for PCARE-related condition. Last evaluated: 2019-06-06. Review status: no assertion criteria provided. Collection method: clinical testing. Allele origin: germline. Not counted in ClinVar's aggregate classification.
Comment: This variant is classified as likely benign based on ACMG/AMP sequence variant interpretation guidelines (Richards et al. 2015 PMID: 25741868, with internal and published modifications).

NM_001029883.3(PCARE):c.1959C>T (p.Gly653=)

Gene: PCARE (photoreceptor cilium actin regulator; minus strand). Cytogenetic location: 2p23.2.
Variant type: single nucleotide variant.
Coding change: c.1959C>T on transcript NM_001029883.3 (MANE Select); coding-DNA position 1959, C replaced by T.
Protein change: p.Gly653=; no amino-acid change (glycine 653 retained).
Molecular consequence: synonymous variant.
Genome position (GRCh38, 1-based): chr2:29,072,303, G>A on the plus strand (C>T on the coding strand, the complement: PCARE is on the minus strand). VCF-style: chr2-29072303-G-A. GRCh37 (hg19) VCF-style: chr2-29295169-G-A.
Identifiers: ClinVar variation 3044708 (VCV003044708.3), dbSNP rs374947371, ClinGen allele CA44641835.